The following is an entry in ClinVar:

NM_007118.4(TRIO):c.8052C>G (p.Pro2684=)

Genes: TRIO (trio Rho guanine nucleotide exchange factor; plus strand), LOC126807323 (CDK7 strongly-dependent group 2 enhancer GRCh37_chr5:14497716-14498915; plus strand). Cytogenetic location: 5p15.2.
Variant type: single nucleotide variant.
Coding change: c.8052C>G on transcript NM_007118.4 (MANE Select); coding-DNA position 8052, C replaced by G.
Protein change: p.Pro2684=; no amino-acid change (proline 2684 retained).
Molecular consequence: synonymous variant. On other transcripts: non-coding transcript variant (1).
Genome position (GRCh38, 1-based): chr5:14,498,093, C>G. VCF-style: chr5-14498093-C-G. GRCh37 (hg19) VCF-style: chr5-14498202-C-G.
Identifiers: ClinVar variation 3901750 (VCV003901750.1).

ClinVar aggregate classification (germline): Uncertain significance (1 of 4 stars; one submission).

gnomAD v4.1: 6 of 1,614,128 alleles (0.00037%); highest among the groups gnomAD compares: African/African-American, 0.0053%; no homozygotes.

Submission:

GeneDx
Classification: Uncertain significance. Last evaluated: 2024-12-05. Review status: criteria provided, single submitter. Criteria: GeneDx Variant Classification Process June 2021. Collection method: clinical testing. Allele origin: germline. Affected: yes.
Comment: In silico analysis indicates that this variant does not alter splicing; Has not been previously published as pathogenic or benign to our knowledge